The following is an entry in ClinVar:

NM_000135.4(FANCA):c.1769C>G (p.Pro590Arg)

Gene: FANCA (FA complementation group A; minus strand). Cytogenetic location: 16q24.3.
Variant type: single nucleotide variant.
Coding change: c.1769C>G on transcript NM_000135.4 (MANE Select); coding-DNA position 1769, C replaced by G.
Protein change: p.Pro590Arg; replaces proline 590 with arginine.
Molecular consequence: missense variant.
Genome position (GRCh38, 1-based): chr16:89,778,950, G>C on the plus strand (C>G on the coding strand, the complement: FANCA is on the minus strand). VCF-style: chr16-89778950-G-C. GRCh37 (hg19) VCF-style: chr16-89845358-G-C.
Other names: c.1769C>G, p.Pro590Arg (NM_001286167.3); short protein forms P590R.
Identifiers: ClinVar variation 1496225 (VCV001496225.6), dbSNP rs757637315, ClinGen allele CA8252116.

ClinVar aggregate classification (germline): Uncertain significance (1 of 4 stars; one submission).

Conditions:
Fanconi anemia (FA). Also called: Fanconi's anemia. Identifiers: Orphanet 84, MedGen C0015625, MeSH D005199, MONDO:0019391.

Allele frequency attached by ClinVar (database versions not stated): gnomAD exomes below 0.00001; ExAC 0.00001.
gnomAD v4.1: 1 of 1,614,118 alleles (0.000062%); highest among the groups gnomAD compares: Non-Finnish European, 0.000085%; no homozygotes.

Submission:

Labcorp Genetics (formerly Invitae), Labcorp
Classification: Uncertain significance for Fanconi anemia. Last evaluated: 2021-11-07. Review status: criteria provided, single submitter. Criteria: Invitae Variant Classification Sherloc (09022015). Collection method: clinical testing. Allele origin: germline.
Comment: In summary, the available evidence is currently insufficient to determine the role of this variant in disease. Therefore, it has been classified as a Variant of Uncertain Significance. This variant has not been reported in the literature in individuals affected with FANCA-related conditions. This sequence change replaces proline, which is neutral and non-polar, with arginine, which is basic and polar, at codon 590 of the FANCA protein (p.Pro590Arg). This variant is present in population databases (rs757637315, gnomAD 0.0009%). Advanced modeling of protein sequence and biophysical properties (such as structural, functional, and spatial information, amino acid conservation, physicochemical variation, residue mobility, and thermodynamic stability) performed at Invitae indicates that this missense variant is expected to disrupt FANCA protein function.